The following is an entry in ClinVar:

NM_001130438.3(SPTAN1):c.5733+12A>G

Gene: SPTAN1 (spectrin alpha, non-erythrocytic 1; plus strand). Cytogenetic location: 9q34.11.
Variant type: single nucleotide variant.
Coding change: c.5733+12A>G on transcript NM_001130438.3 (MANE Select); 12 bases into the intron after coding-DNA position 5733, A replaced by G.
Molecular consequence: intron variant.
Genome position (GRCh38, 1-based): chr9:128,619,015, A>G. VCF-style: chr9-128619015-A-G. GRCh37 (hg19) VCF-style: chr9-131381294-A-G.
Other names: c.5733+12A>G (NM_001363759.2); c.5718+12A>G (NM_003127.4); c.5673+12A>G (NM_001363765.2); c.5658+12A>G (NM_001195532.2).
Identifiers: ClinVar variation 515674 (VCV000515674.1), dbSNP rs769356785, ClinGen allele CA5265538.

ClinVar aggregate classification (germline): Likely benign (1 of 4 stars; one submission).

Allele frequency attached by ClinVar (database versions not stated): gnomAD exomes below 0.00001 and 0.00001; ExAC 0.00001.
gnomAD v4.1: 14 of 1,613,388 alleles (0.00087%); highest among the groups gnomAD compares: Non-Finnish European, 0.0012%; no homozygotes.

Submission:

GeneDx
Classification: Likely benign. Last evaluated: 2018-02-16. Review status: criteria provided, single submitter. Criteria: GeneDx Variant Classification (06012015). Collection method: clinical testing. Allele origin: germline. Affected: yes.
Comment: This variant is considered likely benign or benign based on one or more of the following criteria: it is a conservative change, it occurs at a poorly conserved position in the protein, it is predicted to be benign by multiple in silico algorithms, and/or has population frequency not consistent with disease.